The following is an entry in ClinVar:

ClinVar aggregate classification (germline): Conflicting classifications of pathogenicity. Review status: criteria provided, conflicting classifications (1 of 4 stars). 2 submissions from 2 submitters: Uncertain significance (1); Likely benign (1). Last evaluated 2026-02-11.

Conditions:
Hereditary cancer-predisposing syndrome. Also called: Neoplastic Syndromes, Hereditary; Hereditary neoplastic syndrome; Tumor predisposition; Hereditary Cancer Syndrome. Identifiers: Orphanet 140162, MedGen C0027672, MeSH D009386, MONDO:0015356.
Hereditary breast ovarian cancer syndrome. Also called: Hereditary breast and/or ovarian cancer syndrome; Breast and ovarian cancer; Hereditary breast and ovarian cancer; Hereditary breast and ovarian cancer syndrome (HBOC); Hereditary breast and ovarian cancer syndrome; BRCA1- and BRCA2-Associated Hereditary Breast and Ovarian Cancer. Identifiers: Orphanet 145, MedGen C0677776, MeSH D061325, MONDO:0003582. Disease mechanism: loss of function.

Allele frequency attached by ClinVar (database versions not stated): gnomAD exomes below 0.00001.
gnomAD v4.1: 4 of 1,613,854 alleles (0.00025%); highest among the groups gnomAD compares: Non-Finnish European, 0.00034%; no homozygotes.

Submissions (2):

Ambry Genetics
Classification: Likely benign for Hereditary cancer-predisposing syndrome. Last evaluated: 2026-02-11. Review status: criteria provided, single submitter. Criteria: Ambry Variant Classification Scheme 2023. Collection method: clinical testing. Allele origin: germline.

Labcorp Genetics (formerly Invitae), Labcorp
Classification: Uncertain significance for Hereditary breast ovarian cancer syndrome. Last evaluated: 2025-03-23. Review status: criteria provided, single submitter. Criteria: Invitae Variant Classification Sherloc (09022015). Collection method: clinical testing. Allele origin: germline.
Comment: This sequence change replaces glycine, which is neutral and non-polar, with glutamic acid, which is acidic and polar, at codon 2439 of the BRCA2 protein (p.Gly2439Glu). This variant is not present in population databases (gnomAD no frequency). This variant has not been reported in the literature in individuals affected with BRCA2-related conditions. ClinVar contains an entry for this variant (Variation ID: 576301). Invitae Evidence Modeling of protein sequence and biophysical properties (such as structural, functional, and spatial information, amino acid conservation, physicochemical variation, residue mobility, and thermodynamic stability) indicates that this missense variant is not expected to disrupt BRCA2 protein function with a negative predictive value of 95%. In summary, the available evidence is currently insufficient to determine the role of this variant in disease. Therefore, it has been classified as a Variant of Uncertain Significance.

NM_000059.4(BRCA2):c.7316G>A (p.Gly2439Glu)

Gene: BRCA2 (BRCA2 DNA repair associated; plus strand). Cytogenetic location: 13q13.1.
Variant type: single nucleotide variant.
Coding change: c.7316G>A on transcript NM_000059.4 (MANE Select); coding-DNA position 7316, G replaced by A.
Protein change: p.Gly2439Glu; replaces glycine 2439 with glutamic acid.
Molecular consequence: missense variant.
Genome position (GRCh38, 1-based): chr13:32,355,169, G>A. VCF-style: chr13-32355169-G-A. GRCh37 (hg19) VCF-style: chr13-32929306-G-A.
Other names: short protein forms G2439E.
Identifiers: ClinVar variation 576301 (VCV000576301.12), dbSNP rs1555286076, ClinGen allele CA387741068.